The following is an entry in ClinVar:

NM_000426.4(LAMA2):c.5851G>T (p.Glu1951Ter)

Gene: LAMA2 (laminin subunit alpha 2; plus strand). Cytogenetic location: 6q22.33.
Variant type: single nucleotide variant.
Coding change: c.5851G>T on transcript NM_000426.4 (MANE Select); coding-DNA position 5851, G replaced by T.
Protein change: p.Glu1951Ter; replaces glutamic acid 1951 with a stop codon.
Molecular consequence: nonsense.
Genome position (GRCh38, 1-based): chr6:129,403,945, G>T. VCF-style: chr6-129403945-G-T. GRCh37 (hg19) VCF-style: chr6-129725090-G-T.
Other names: c.5851G>T, p.Glu1951Ter (NM_001079823.2); short protein forms E1951*.
Identifiers: ClinVar variation 1724156 (VCV001724156.3), dbSNP rs2533301982, ClinGen allele CA365617511.

ClinVar aggregate classification (germline): Likely pathogenic (1 of 4 stars; one submission).

Conditions:
LAMA2-related muscular dystrophy (LAMA2-RD). Also called: Laminin alpha 2-related dystrophy. Identifiers: MedGen C5679788, MONDO:0100228.

Submission:

Myriad Genetics, Inc.
Classification: Likely pathogenic for LAMA2-related muscular dystrophy. Last evaluated: 2022-01-28. Review status: criteria provided, single submitter. Criteria: Myriad Autosomal Dominant, Autosomal Recessive and X-Linked Classification Criteria (2023). Collection method: clinical testing. Allele origin: unknown.
Comment: NM_000426.3(LAMA2):c.5851G>T(E1951*) is expected to be pathogenic in the context of muscular dystrophy, LAMA2-related. This variant is predicted to lead to an abnormal or absent protein product due to the creation of a premature termination codon in LAMA2, a gene where loss-of-function variants are known to be pathogenic. Please note: this variant was assessed in the context of healthy population screening.